The following is an entry in ClinVar:

NM_000026.4(ADSL):c.1349C>T (p.Thr450Ile)

Gene: ADSL (adenylosuccinate lyase; plus strand). Cytogenetic location: 22q13.1.
Variant type: single nucleotide variant.
Coding change: c.1349C>T on transcript NM_000026.4 (MANE Select); coding-DNA position 1349, C replaced by T.
Protein change: p.Thr450Ile; replaces threonine 450 with isoleucine.
Molecular consequence: missense variant. On other transcripts: non-coding transcript variant (1), intron variant (1).
Genome position (GRCh38, 1-based): chr22:40,365,037, C>T. VCF-style: chr22-40365037-C-T. GRCh37 (hg19) VCF-style: chr22-40761041-C-T.
Other names: c.1157C>T, p.Thr386Ile (NM_001317923.2); c.1349C>T, p.Thr450Ile (NM_001363840.3); c.1191+672C>T (NM_001123378.3); short protein forms T386I, T450I.
Identifiers: ClinVar variation 1059960 (VCV001059960.2), dbSNP rs372895468, ClinGen allele CA324460860.

ClinVar aggregate classification (germline): Uncertain significance (1 of 4 stars; one submission).

Conditions:
Adenylosuccinate lyase deficiency (ADSLD). Also called: ADSL DEFICIENCY. Identifiers: Orphanet 46, MedGen C0268126, MONDO:0007068, OMIM 103050.

Allele frequency attached by ClinVar (database versions not stated): ESP Exome Variant Server 0.00008.

Submission:

Labcorp Genetics (formerly Invitae), Labcorp
Classification: Uncertain significance for Adenylosuccinate lyase deficiency. Last evaluated: 2022-07-10. Review status: criteria provided, single submitter. Criteria: Invitae Variant Classification Sherloc (09022015). Collection method: clinical testing. Allele origin: germline.
Comment: This sequence change replaces threonine, which is neutral and polar, with isoleucine, which is neutral and non-polar, at codon 450 of the ADSL protein (p.Thr450Ile). This variant is not present in population databases (gnomAD no frequency). This variant has not been reported in the literature in individuals affected with ADSL-related conditions. ClinVar contains an entry for this variant (Variation ID: 1059960). Advanced modeling of protein sequence and biophysical properties (such as structural, functional, and spatial information, amino acid conservation, physicochemical variation, residue mobility, and thermodynamic stability) performed at Invitae indicates that this missense variant is not expected to disrupt ADSL protein function. This variant disrupts the p.Thr450 amino acid residue in ADSL. Other variant(s) that disrupt this residue have been determined to be pathogenic (PMID: 10958654, 20127976, 33648541; Invitae). This suggests that this residue is clinically significant, and that variants that disrupt this residue are likely to be disease-causing. In summary, the available evidence is currently insufficient to determine the role of this variant in disease. Therefore, it has been classified as a Variant of Uncertain Significance.

Literature cited by the submitters: PubMed 10958654; PubMed 20127976; PubMed 33648541.